The following is an entry in ClinVar:

ClinVar aggregate classification (germline): Conflicting classifications of pathogenicity. Review status: criteria provided, conflicting classifications (1 of 4 stars). 2 submissions from 2 submitters: Uncertain significance (1); Likely benign (1). Last evaluated 2026-09-23.

Conditions:
KCNV2-related disorder. Also called: KCNV2-related condition.
Cone dystrophy with supernormal rod response (CDSRR). Also called: CONE DYSTROPHY WITH SUPERNORMAL ROD RESPONSES. Identifiers: Orphanet 209932, MedGen C1835897, MONDO:0012475, OMIM 610356.

Allele frequency attached by ClinVar (database versions not stated): TOPMed 0.00001; gnomAD 0.00003; ExAC 0.00004; gnomAD exomes 0.00005; ESP Exome Variant Server 0.00008.

Submissions (2):

PreventionGenetics, part of Exact Sciences
Classification: Likely benign for KCNV2-related condition. Last evaluated: 2026-09-23. Review status: criteria provided, single submitter. Criteria: ACMG Guidelines, 2015. Collection method: clinical testing. Allele origin: germline.
Comment: This variant is classified as likely benign based on ACMG/AMP sequence variant interpretation guidelines (Richards et al. 2015 PMID: 25741868, with internal and published modifications).

Illumina Laboratory Services, Illumina
Classification: Uncertain significance for Cone dystrophy with supernormal rod response. Last evaluated: 2018-01-13. Review status: criteria provided, single submitter. Criteria: ICSL Variant Classification Criteria 13 December 2019. Collection method: clinical testing. Allele origin: germline.

NM_133497.4(KCNV2):c.-6G>A

Gene: KCNV2 (potassium voltage-gated channel modifier subfamily V member 2; plus strand). Cytogenetic location: 9p24.2.
Variant type: single nucleotide variant.
Coding change: c.-6G>A on transcript NM_133497.4 (MANE Select); 6 bases upstream of the start codon, G replaced by A.
Molecular consequence: 5 prime UTR variant.
Genome position (GRCh38, 1-based): chr9:2,717,734, G>A. VCF-style: chr9-2717734-G-A. GRCh37 (hg19) VCF-style: chr9-2717734-G-A.
Identifiers: ClinVar variation 366407 (VCV000366407.6), dbSNP rs373371383, ClinGen allele CA4965281.
Genomic context (GRCh38, chr9:2,717,734, plus strand): 5'-AGTGAGCAGGTGAGGGACCCCTACCACAGCCAGGAGGAAAAAGCTAGGCGTCCACTTTCC[G>A]CAGCCATGCTCAAACAGAGTGAGAGGAGACGGTCCTGGAGCTACAGGCCCTGGAACACGA-3'